The following is an entry in ClinVar:

ClinVar aggregate classification (germline): Uncertain significance. Review status: criteria provided, multiple submitters, no conflicts (2 of 4 stars). 2 submissions from 2 submitters: Uncertain significance (2). Last evaluated 2024-01-22.

Conditions:
IKZF1-related disorder. Also called: IKZF1-related condition.

Submissions (2):

Labcorp Genetics (formerly Invitae), Labcorp
Classification: Uncertain significance. Last evaluated: 2024-01-22. Review status: criteria provided, single submitter. Criteria: Invitae Variant Classification Sherloc (09022015). Collection method: clinical testing. Allele origin: germline.
Comment: This sequence change replaces alanine, which is neutral and non-polar, with proline, which is neutral and non-polar, at codon 440 of the IKZF1 protein (p.Ala440Pro). This variant is not present in population databases (gnomAD no frequency). This missense change has been observed in individual(s) with clinical features of IKZF1-related condition (PMID: 34329649). ClinVar contains an entry for this variant (Variation ID: 2630938). An algorithm developed to predict the effect of missense changes on protein structure and function (PolyPhen-2) suggests that this variant is likely to be tolerated. In summary, the available evidence is currently insufficient to determine the role of this variant in disease. Therefore, it has been classified as a Variant of Uncertain Significance.

PreventionGenetics, part of Exact Sciences
Classification: Uncertain significance for IKZF1-related condition. Last evaluated: 2023-08-15. Review status: criteria provided, single submitter. Criteria: ACMG Guidelines, 2015. Collection method: clinical testing. Allele origin: germline.
Comment: The IKZF1 c.1318G>C variant is predicted to result in the amino acid substitution p.Ala440Pro. This variant has been reported in an individual with pediatric nonmalignant lymphoproliferative disorder (Forbes et al. 2022. PubMed ID: 34329649. Table E1). This variant has also been reported in a cohort study with complex immune phenotypes (described as p.Ala398Pro, Similuk et al. 2022. PubMed ID: 35753512. Table E4). This variant has not been reported in a large population database, indicating this variant is rare. At this time, the clinical significance of this variant is uncertain due to the absence of conclusive functional and genetic evidence.

Literature cited by the submitters: PubMed 34329649 (cited by Labcorp Genetics (formerly Invitae), Labcorp).

NM_006060.6(IKZF1):c.1318G>C (p.Ala440Pro)

Gene: IKZF1 (IKAROS family zinc finger 1; plus strand). Cytogenetic location: 7p12.2.
Variant type: single nucleotide variant.
Coding change: c.1318G>C on transcript NM_006060.6 (MANE Select); coding-DNA position 1318, G replaced by C.
Protein change: p.Ala440Pro; replaces alanine 440 with proline.
Molecular consequence: missense variant.
Genome position (GRCh38, 1-based): chr7:50,400,385, G>C. VCF-style: chr7-50400385-G-C. GRCh37 (hg19) VCF-style: chr7-50468083-G-C.
Other names: c.1192G>C, p.Ala398Pro (NM_001220765.3, NM_001291837.2); c.1027G>C, p.Ala343Pro (NM_001220767.2); c.1057G>C, p.Ala353Pro (NM_001220768.2, NM_001291838.2); c.901G>C, p.Ala301Pro (NM_001220770.2); c.889G>C, p.Ala297Pro (NM_001220771.2, NM_001291841.1); c.931G>C, p.Ala311Pro (NM_001291839.2); c.628G>C, p.Ala210Pro (NM_001291840.1); c.859G>C, p.Ala287Pro (NM_001291842.1); and 3 more; short protein forms A210P, A245P, A255P, A287P, A297P, A301P, A311P, A343P.
Identifiers: ClinVar variation 2630938 (VCV002630938.4), dbSNP rs775617502, ClinGen allele CA367524896.